The following is an entry in ClinVar:

NM_000054.7(AVPR2):c.821T>C (p.Leu274Pro)

Gene: AVPR2 (arginine vasopressin receptor 2; plus strand). Cytogenetic location: Xq28.
Variant type: single nucleotide variant.
Coding change: c.821T>C on transcript NM_000054.7 (MANE Select); coding-DNA position 821, T replaced by C.
Protein change: p.Leu274Pro; replaces leucine 274 with proline.
Molecular consequence: missense variant. On other transcripts: non-coding transcript variant (1).
Genome position (GRCh38, 1-based): chrX:153,906,327, T>C. VCF-style: chrX-153906327-T-C. GRCh37 (hg19) VCF-style: chrX-153171781-T-C.
Other names: c.821T>C, p.Leu274Pro (NM_001146151.3); short protein forms L274P.
Identifiers: ClinVar variation 3338811 (VCV003338811.1).

ClinVar aggregate classification (germline): Pathogenic (1 of 4 stars; one submission).

Submission:

GeneDx
Classification: Pathogenic. Last evaluated: 2023-11-28. Review status: criteria provided, single submitter. Criteria: GeneDx Variant Classification Process June 2021. Collection method: clinical testing. Allele origin: germline. Affected: yes.
Comment: Published functional studies demonstrate this variant disrupts receptor function and cell-surface expression compared to wild-type constructs (PMID: 12414899); Not observed at significant frequency in large population cohorts (gnomAD); In silico analysis supports that this missense variant has a deleterious effect on protein structure/function; This variant is associated with the following publications: (PMID: 17371330, 18726898, 12414899)